The following is an entry in ClinVar:

NM_001083962.2(TCF4):c.1412A>G (p.Gln471Arg)

Gene: TCF4 (transcription factor 4; minus strand). Cytogenetic location: 18q21.2.
Variant type: single nucleotide variant.
Coding change: c.1412A>G on transcript NM_001083962.2 (MANE Select); coding-DNA position 1412, A replaced by G.
Protein change: p.Gln471Arg; replaces glutamine 471 with arginine.
Molecular consequence: missense variant.
Genome position (GRCh38, 1-based): chr18:55,234,622, T>C on the plus strand (A>G on the coding strand, the complement: TCF4 is on the minus strand). VCF-style: chr18-55234622-T-C. GRCh37 (hg19) VCF-style: chr18-52901853-T-C.
Other names: NM_001083962.2(TCF4):c.1412A>G; p.Gln471Arg; c.1412A>G (NM_001083962.1); c.1718A>G, p.Gln573Arg (NM_001243226.3); c.1340A>G, p.Gln447Arg (NM_001243227.2, NM_001348217.1, NM_001348218.2 and 5 more transcripts); c.1430A>G, p.Gln477Arg (NM_001243228.2); c.1403A>G, p.Gln468Arg (NM_001243230.2); c.1286A>G, p.Gln429Arg (NM_001243231.2, NM_001348211.2); and 9 more; short protein forms Q255R, Q310R, Q311R, Q341R, Q400R, Q429R, Q446R, Q447R.
Identifiers: ClinVar variation 1573333 (VCV001573333.10), dbSNP rs1285770614, ClinGen allele CA402531895.

ClinVar aggregate classification (germline): Likely benign. Review status: reviewed by expert panel (3 of 4 stars). 3 submissions from 3 submitters: Likely benign (1). 2 of the submissions do not count toward it. Last evaluated 2025-10-28.

Conditions:
Pitt-Hopkins syndrome (PTHS). Also called: ENCEPHALOPATHY, SEVERE EPILEPTIC, WITH AUTONOMIC DYSFUNCTION; MENTAL RETARDATION, SYNDROMAL, WITH INTERMITTENT HYPERVENTILATION. Identifiers: Orphanet 2896, MedGen C1970431, MONDO:0012589, OMIM 610954.
Inborn genetic diseases. Identifiers: MedGen C0950123, MeSH D030342.

Allele frequency attached by ClinVar (database versions not stated): gnomAD exomes below 0.00001; gnomAD 0.00001; TOPMed 0.00001.
gnomAD v4.1: 3 of 1,613,974 alleles (0.00019%); highest among the groups gnomAD compares: African/African-American, 0.004%; no homozygotes.

Submissions (3):

ClinGen Rett and Angelman-like Disorders Variant Curation Expert Panel
Classification: Likely benign for Pitt-Hopkins syndrome. Last evaluated: 2025-10-28. Review status: reviewed by expert panel. Criteria: ClinGen RettAS ACMG Specifications TCF4 V5.0.0. Collection method: curation. Allele origin: germline. Inheritance: Autosomal dominant inheritance.
Comment: The highest population minor allele frequency of the p.Gln471Arg variant in TCF4 in gnomAD v4.1.0 is 0.00004006 in the African/African American population, which is higher than the ClinGen Rett and Angelman-like Disorders VCEP threshold (≥0.0000083) for BS1, and therefore meets this criterion (BS1). The p.Gln471Arg variant is observed in at least 1 unaffected individual (internal database - LabCorp (formerly Invitae)) (BS2_Supporting). The computational predictor REVEL gives a score of 0.242, (which is below the threshold of 0.290), evidence that does not predict a damaging effect on TCF4 function (BP4). In summary, the p.Gln471Arg variant in TCF4 is classified as Likely Benign based on the ACMG/AMP criteria (BS1, BS2_Supporting, BP4). (TCF4 Specifications v5.0; curation approved on 10/28/2025)

Labcorp Genetics (formerly Invitae), Labcorp
Classification: Likely benign for Pitt-Hopkins syndrome. Last evaluated: 2024-10-16. Review status: criteria provided, single submitter. Criteria: Invitae Variant Classification Sherloc (09022015). Collection method: clinical testing. Allele origin: germline. Not counted in ClinVar's aggregate classification.

Ambry Genetics
Classification: Uncertain significance for Inborn genetic diseases. Last evaluated: 2023-05-09. Review status: criteria provided, single submitter. Criteria: Ambry Variant Classification Scheme 2023. Collection method: clinical testing. Allele origin: germline. Not counted in ClinVar's aggregate classification.